The following is an entry in ClinVar:

NM_006767.4(LZTR1):c.136G>A (p.Gly46Arg)

Gene: LZTR1 (leucine zipper like post translational regulator 1; plus strand). Cytogenetic location: 22q11.21.
Variant type: single nucleotide variant.
Coding change: c.136G>A on transcript NM_006767.4 (MANE Select); coding-DNA position 136, G replaced by A.
Protein change: p.Gly46Arg; replaces glycine 46 with arginine.
Molecular consequence: missense variant.
Genome position (GRCh38, 1-based): chr22:20,982,507, G>A. VCF-style: chr22-20982507-G-A. GRCh37 (hg19) VCF-style: chr22-21336796-G-A.
Other names: short protein forms G46R.
Identifiers: ClinVar variation 1485823 (VCV001485823.8), dbSNP rs1273423585, ClinGen allele CA410777882.
Genomic context (GRCh38, chr22:20,982,507, plus strand): 5'-CCGAGCGTGGACTTCGACCATAGCTGCTCGGACAGTGTCGAGTACCTGACGCTCAACTTC[G>A]GGCCCTTCGAAACAGTGCATCGCTGGCGGCGCCTCCCGCCCTGCGACGAGTTCGTGGGTG-3'
Protein context (NP_006758.2, residues 36-56): DSVEYLTLNF[Gly46Arg]PFETVHRWRR

ClinVar aggregate classification (germline): Uncertain significance. Review status: criteria provided, multiple submitters, no conflicts (2 of 4 stars). 2 submissions from 2 submitters: Uncertain significance (2). Last evaluated 2022-10-12.

Conditions:
Hereditary cancer-predisposing syndrome. Also called: Hereditary neoplastic syndrome; Neoplastic Syndromes, Hereditary; Hereditary Cancer Syndrome; Tumor predisposition. Identifiers: Orphanet 140162, MedGen C0027672, MeSH D009386, MONDO:0015356.
Cardiovascular phenotype. Identifiers: MedGen CN230736.

Submissions (2):

Ambry Genetics
Classification: Uncertain significance for Cardiovascular phenotype; Hereditary cancer-predisposing syndrome. Last evaluated: 2022-10-12. Review status: criteria provided, single submitter. Criteria: Ambry Variant Classification Scheme 2023. Collection method: clinical testing. Allele origin: germline.
Comment: The p.G46R variant (also known as c.136G>A), located in coding exon 1 of the LZTR1 gene, results from a G to A substitution at nucleotide position 136. The glycine at codon 46 is replaced by arginine, an amino acid with dissimilar properties. This amino acid position is conserved. In addition, the in silico prediction for this alteration is inconclusive. Since supporting evidence is limited at this time, the clinical significance of this alteration remains unclear.

Labcorp Genetics (formerly Invitae), Labcorp
Classification: Uncertain significance. Last evaluated: 2021-10-31. Review status: criteria provided, single submitter. Criteria: Invitae Variant Classification Sherloc (09022015). Collection method: clinical testing. Allele origin: germline.
Comment: In summary, the available evidence is currently insufficient to determine the role of this variant in disease. Therefore, it has been classified as a Variant of Uncertain Significance. This sequence change replaces glycine, which is neutral and non-polar, with arginine, which is basic and polar, at codon 46 of the LZTR1 protein (p.Gly46Arg). This variant is not present in population databases (gnomAD no frequency). This variant has not been reported in the literature in individuals affected with LZTR1-related conditions. Algorithms developed to predict the effect of missense changes on protein structure and function are either unavailable or do not agree on the potential impact of this missense change (SIFT: "Deleterious"; PolyPhen-2: "Benign"; Align-GVGD: "Class C0"). Algorithms developed to predict the effect of sequence changes on RNA splicing suggest that this variant may create or strengthen a splice site.